The following is an entry in ClinVar:

ClinVar aggregate classification (germline): Uncertain significance (1 of 4 stars; one submission).

Submission:

CeGaT Center for Human Genetics Tuebingen
Classification: Uncertain significance. Last evaluated: 2023-10-01. Review status: criteria provided, single submitter. Criteria: CeGaT Center For Human Genetics Tuebingen Variant Classification Criteria Version 2. Collection method: clinical testing. Allele origin: germline. Affected: yes. Observed: 1 variant allele.
Comment: DNAH14: PM2, BP4

NM_001367479.1(DNAH14):c.10966G>C (p.Glu3656Gln)

Gene: DNAH14 (dynein axonemal heavy chain 14; plus strand). Cytogenetic location: 1q42.12.
Variant type: single nucleotide variant.
Coding change: c.10966G>C on transcript NM_001367479.1 (MANE Select); coding-DNA position 10966, G replaced by C.
Protein change: p.Glu3656Gln; replaces glutamic acid 3656 with glutamine.
Molecular consequence: missense variant.
Genome position (GRCh38, 1-based): chr1:225,346,249, G>C. VCF-style: chr1-225346249-G-C. GRCh37 (hg19) VCF-style: chr1-225533951-G-C.
Other names: short protein forms E3656Q.
Identifiers: ClinVar variation 2639951 (VCV002639951.24), dbSNP rs909929201, ClinGen allele CA344994615.